The following is an entry in ClinVar:

NM_001023570.4(IQCB1):c.664C>T (p.Pro222Ser)

Gene: IQCB1 (IQ motif containing B1; minus strand). Cytogenetic location: 3q13.33.
Variant type: single nucleotide variant.
Coding change: c.664C>T on transcript NM_001023570.4 (MANE Select); coding-DNA position 664, C replaced by T.
Protein change: p.Pro222Ser; replaces proline 222 with serine.
Molecular consequence: missense variant. On other transcripts: non-coding transcript variant (1), intron variant (1).
Genome position (GRCh38, 1-based): chr3:121,799,298, G>A on the plus strand (C>T on the coding strand, the complement: IQCB1 is on the minus strand). VCF-style: chr3-121799298-G-A. GRCh37 (hg19) VCF-style: chr3-121518145-G-A.
Other names: c.664C>T, p.Pro222Ser (NM_001319107.2); c.587+8046C>T (NM_001023571.4); short protein forms P222S.
Identifiers: ClinVar variation 2114621 (VCV002114621.3), dbSNP rs773415022, ClinGen allele CA2567340.

ClinVar aggregate classification (germline): Uncertain significance (1 of 4 stars; one submission).

Conditions:
Nephronophthisis. Also called: Juvenile Nephronophthisis. Identifiers: Orphanet 655, MedGen C0687120, MONDO:0019005, HP:0000090.

Allele frequency attached by ClinVar (database versions not stated): ExAC 0.00001.

Submission:

Labcorp Genetics (formerly Invitae), Labcorp
Classification: Uncertain significance for Nephronophthisis. Last evaluated: 2022-10-13. Review status: criteria provided, single submitter. Criteria: Invitae Variant Classification Sherloc (09022015). Collection method: clinical testing. Allele origin: germline.
Comment: In summary, the available evidence is currently insufficient to determine the role of this variant in disease. Therefore, it has been classified as a Variant of Uncertain Significance. Advanced modeling of protein sequence and biophysical properties (such as structural, functional, and spatial information, amino acid conservation, physicochemical variation, residue mobility, and thermodynamic stability) performed at Invitae indicates that this missense variant is not expected to disrupt IQCB1 protein function. This variant has not been reported in the literature in individuals affected with IQCB1-related conditions. This variant is present in population databases (rs773415022, gnomAD 0.003%). This sequence change replaces proline, which is neutral and non-polar, with serine, which is neutral and polar, at codon 222 of the IQCB1 protein (p.Pro222Ser).